The following is an entry in ClinVar:

NM_001129.5(AEBP1):c.752G>A (p.Arg251Gln)

Gene: AEBP1 (AE binding protein 1; plus strand). Cytogenetic location: 7p13.
Variant type: single nucleotide variant.
Coding change: c.752G>A on transcript NM_001129.5 (MANE Select); coding-DNA position 752, G replaced by A.
Protein change: p.Arg251Gln; replaces arginine 251 with glutamine.
Molecular consequence: missense variant.
Genome position (GRCh38, 1-based): chr7:44,107,821, G>A. VCF-style: chr7-44107821-G-A. GRCh37 (hg19) VCF-style: chr7-44147420-G-A.
Other names: short protein forms R251Q.
Identifiers: ClinVar variation 1520289 (VCV001520289.6), dbSNP rs574188983, ClinGen allele CA4237620.

ClinVar aggregate classification (germline): Uncertain significance (1 of 4 stars; one submission).

Allele frequency attached by ClinVar (database versions not stated): gnomAD 0.00001; TOPMed 0.00002; gnomAD exomes 0.00003 and 0.00005; ExAC 0.00005; 1000 Genomes Project 30x 0.00016; 1000 Genomes Project 0.00020.
gnomAD v4.1: 19 of 1,611,756 alleles (0.0012%); highest among the groups gnomAD compares: East Asian, 0.025%; no homozygotes.

Submission:

Labcorp Genetics (formerly Invitae), Labcorp
Classification: Uncertain significance. Last evaluated: 2022-07-19. Review status: criteria provided, single submitter. Criteria: Invitae Variant Classification Sherloc (09022015). Collection method: clinical testing. Allele origin: germline.
Comment: In summary, the available evidence is currently insufficient to determine the role of this variant in disease. Therefore, it has been classified as a Variant of Uncertain Significance. Algorithms developed to predict the effect of missense changes on protein structure and function output the following: SIFT: "Tolerated"; PolyPhen-2: "Benign"; Align-GVGD: "Class C0". The glutamine amino acid residue is found in multiple mammalian species, which suggests that this missense change does not adversely affect protein function. ClinVar contains an entry for this variant (Variation ID: 1520289). This variant has not been reported in the literature in individuals affected with AEBP1-related conditions. This variant is present in population databases (rs574188983, gnomAD 0.02%). This sequence change replaces arginine, which is basic and polar, with glutamine, which is neutral and polar, at codon 251 of the AEBP1 protein (p.Arg251Gln).